The following is an entry in ClinVar:

NM_002506.3(NGF):c.257G>A (p.Arg86His)

Genes: NGF (nerve growth factor; minus strand), NGF-AS1 (NGF antisense RNA 1; plus strand). Cytogenetic location: 1p13.2.
Variant type: single nucleotide variant.
Coding change: c.257G>A on transcript NM_002506.3 (MANE Select); coding-DNA position 257, G replaced by A.
Protein change: p.Arg86His; replaces arginine 86 with histidine.
Molecular consequence: missense variant.
Genome position (GRCh38, 1-based): chr1:115,286,539, C>T on the plus strand (G>A on the coding strand, the complement: NGF is on the minus strand). VCF-style: chr1-115286539-C-T. GRCh37 (hg19) VCF-style: chr1-115829160-C-T.
Other names: short protein forms R86H.
Identifiers: ClinVar variation 456630 (VCV000456630.10), dbSNP rs200629339, ClinGen allele CA1023007.

ClinVar aggregate classification (germline): Uncertain significance. Review status: criteria provided, multiple submitters, no conflicts (2 of 4 stars). 4 submissions from 4 submitters: Uncertain significance (4). Last evaluated 2025-04-15.

Conditions:
Inborn genetic diseases. Identifiers: MedGen C0950123, MeSH D030342.
Congenital sensory neuropathy with selective loss of small myelinated fibers (HSAN5). Also called: HSAN Type V. Identifiers: Orphanet 64752, MedGen C0020075, MONDO:0012092, OMIM 608654.

Allele frequency attached by ClinVar (database versions not stated): TOPMed 0.00006; ESP Exome Variant Server 0.00008; gnomAD 0.00010.
gnomAD v4.1: 70 of 1,614,048 alleles (0.0043%); highest among the groups gnomAD compares: Admixed American, 0.01%; no homozygotes.

Submissions (4):

Ambry Genetics
Classification: Uncertain significance for Inborn genetic diseases. Last evaluated: 2025-04-15. Review status: criteria provided, single submitter. Criteria: Ambry Variant Classification Scheme 2023. Collection method: clinical testing. Allele origin: germline.

GeneDx
Classification: Uncertain significance. Last evaluated: 2024-05-18. Review status: criteria provided, single submitter. Criteria: GeneDx Variant Classification Process June 2021. Collection method: clinical testing. Allele origin: germline. Affected: yes.
Comment: In silico analysis supports that this missense variant has a deleterious effect on protein structure/function; Has not been previously published as pathogenic or benign to our knowledge

Genome-Nilou Lab
Classification: Uncertain significance for Congenital sensory neuropathy with selective loss of small myelinated fibers. Last evaluated: 2023-04-11. Review status: criteria provided, single submitter. Criteria: ACMG Guidelines, 2015. Collection method: clinical testing. Allele origin: germline. Affected: no.

Labcorp Genetics (formerly Invitae), Labcorp
Classification: Uncertain significance for Congenital sensory neuropathy with selective loss of small myelinated fibers. Last evaluated: 2022-08-21. Review status: criteria provided, single submitter. Criteria: Invitae Variant Classification Sherloc (09022015). Collection method: clinical testing. Allele origin: germline.
Comment: This sequence change replaces arginine, which is basic and polar, with histidine, which is basic and polar, at codon 86 of the NGF protein (p.Arg86His). This variant is present in population databases (rs200629339, gnomAD 0.01%). This variant has not been reported in the literature in individuals affected with NGF-related conditions. ClinVar contains an entry for this variant (Variation ID: 456630). Algorithms developed to predict the effect of missense changes on protein structure and function (SIFT, PolyPhen-2, Align-GVGD) all suggest that this variant is likely to be disruptive. In summary, the available evidence is currently insufficient to determine the role of this variant in disease. Therefore, it has been classified as a Variant of Uncertain Significance.